The following is an entry in ClinVar:

ClinVar aggregate classification (germline): Pathogenic (1 of 4 stars; one submission).

Submission:

GeneDx
Classification: Pathogenic. Last evaluated: 2023-05-04. Review status: criteria provided, single submitter. Criteria: GeneDx Variant Classification Process June 2021. Collection method: clinical testing. Allele origin: germline. Affected: yes.
Comment: Canonical splice site variant predicted to result in a null allele in a gene for which loss of function is a known mechanism of disease; Not observed at significant frequency in large population cohorts (gnomAD); Has not been previously published as pathogenic or benign to our knowledge

NM_001083962.2(TCF4):c.304+1G>A

Genes: TCF4 (transcription factor 4; minus strand), TCF4-AS1 (TCF4 antisense RNA 1; plus strand). Cytogenetic location: 18q21.2.
Variant type: single nucleotide variant.
Coding change: c.304+1G>A on transcript NM_001083962.2 (MANE Select); the canonical splice donor site of the intron after coding-DNA position 304, G replaced by A.
Molecular consequence: splice donor variant.
Genome position (GRCh38, 1-based): chr18:55,461,018, C>T on the plus strand (G>A on the coding strand, the complement: TCF4 is on the minus strand). VCF-style: chr18-55461018-C-T. GRCh37 (hg19) VCF-style: chr18-53128249-C-T.
Other names: c.610+1G>A (NM_001243226.3); c.232+1G>A (NM_001369584.1, NM_001369576.1, NM_001369577.1 and 15 more transcripts); c.304+1G>A (NM_001369571.1, NM_001369567.1, NM_001243228.2 and 8 more transcripts); c.298+1G>A (NM_001243230.2); c.178+1G>A (NM_001243231.2, NM_001348211.2).
Identifiers: ClinVar variation 2663154 (VCV002663154.1), dbSNP rs2513636767, ClinGen allele CA402703436.
Genomic context (GRCh38, chr18:55,461,018, plus strand): 5'-TACCTTCTATAGTAAAACTTGAGCATTCAAAAAGTGTAAGTTAATTTAAAATGGGTCTTA[C>T]TTTGTATTCTGGAATTGACAAAAGGTGGAGAGAGATTGTCATGTGACCCAAGGTCCCTGC-3'